The following is an entry in ClinVar:

NM_018136.5(ASPM):c.4451A>T (p.Tyr1484Phe)

Gene: ASPM (assembly factor for spindle microtubules; minus strand). Cytogenetic location: 1q31.3.
Variant type: single nucleotide variant.
Coding change: c.4451A>T on transcript NM_018136.5 (MANE Select); coding-DNA position 4451, A replaced by T.
Protein change: p.Tyr1484Phe; replaces tyrosine 1484 with phenylalanine.
Molecular consequence: missense variant. On other transcripts: intron variant (1).
Genome position (GRCh38, 1-based): chr1:197,104,800, T>A on the plus strand (A>T on the coding strand, the complement: ASPM is on the minus strand). VCF-style: chr1-197104800-T-A. GRCh37 (hg19) VCF-style: chr1-197073930-T-A.
Other names: c.4066-8636A>T (NM_001206846.2); short protein forms Y1484F.
Identifiers: ClinVar variation 373787 (VCV000373787.1), dbSNP rs955343480, ClinGen allele CA16042293.

ClinVar aggregate classification (germline): Uncertain significance (1 of 4 stars; one submission).

Submission:

GeneDx
Classification: Uncertain significance. Last evaluated: 2016-12-08. Review status: criteria provided, single submitter. Criteria: GeneDx Variant Classification (06012015). Collection method: clinical testing. Allele origin: germline. Affected: yes.
Comment: A variant of uncertain significance has been identified in the ASPM gene. The Y1484F variant has not been published as a pathogenic variant, nor has it been reported as a benign variant to our knowledge. The Y1484F variant is not observed in large population cohorts (Lek et al., 2016; 1000 Genomes Consortium et al., 2015; Exome Variant Server). The Y1484F variant is a non-conservative amino acid substitution, which is likely to impact secondary protein structure as these residues differ in polarity, charge, size and/or other properties. This substitution occurs at a position that is conserved in mammals; however, Phenylalanine is observed at this position in evolution. In silico analysis is inconsistent in its predictions as to whether or not the variant is damaging to the protein structure/function. Therefore, based on the currently available information, it is unclear whether this variant is a pathogenic variant or a rare benign variant.